The following is an entry in ClinVar:

ClinVar aggregate classification (germline): Likely benign. Review status: criteria provided, single submitter (1 of 4 stars). 2 submissions from 2 submitters: Likely benign (1). 1 of the submissions does not count toward it. Last evaluated 2025-06-24.

Conditions:
Imerslund-Grasbeck syndrome. Also called: ENTEROCYTE COBALAMIN MALABSORPTION; ENTEROCYTE INTRINSIC FACTOR RECEPTOR, DEFECT OF; PERNICIOUS ANEMIA, JUVENILE, DUE TO SELECTIVE INTESTINAL MALABSORPTION OF VITAMIN B12, WITH PROTEINURIA; Megaloblastic anemia due to inborn errors of metabolism; Imerslund-Gräsbeck syndrome. Identifiers: Orphanet 35858, MedGen C4551825, MONDO:0009853.
CUBN-related disorder. Also called: CUBN-related condition.

Allele frequency attached by ClinVar (database versions not stated): gnomAD exomes 0.00010 and 0.00020; ExAC 0.00023; 1000 Genomes Project 0.00060; 1000 Genomes Project 30x 0.00062; gnomAD 0.00076 and 0.00083; TOPMed 0.00088; ESP Exome Variant Server 0.00092.
gnomAD v4.1: 253 of 1,613,986 alleles (0.016%); highest among the groups gnomAD compares: African/African-American, 0.32%; no homozygotes.

Submissions (2):

Labcorp Genetics (formerly Invitae), Labcorp
Classification: Likely benign for Imerslund-Grasbeck syndrome. Last evaluated: 2025-06-24. Review status: criteria provided, single submitter. Criteria: Invitae Variant Classification Sherloc (09022015). Collection method: clinical testing. Allele origin: germline.

PreventionGenetics, part of Exact Sciences
Classification: Likely benign for CUBN-related condition. Last evaluated: 2023-06-13. Review status: no assertion criteria provided. Collection method: clinical testing. Allele origin: germline. Not counted in ClinVar's aggregate classification.
Comment: This variant is classified as likely benign based on ACMG/AMP sequence variant interpretation guidelines (Richards et al. 2015 PMID: 25741868, with internal and published modifications).

NM_001081.4(CUBN):c.5857G>C (p.Gly1953Arg)

Gene: CUBN (cubilin; minus strand). Cytogenetic location: 10p13.
Variant type: single nucleotide variant.
Coding change: c.5857G>C on transcript NM_001081.4 (MANE Select); coding-DNA position 5857, G replaced by C.
Protein change: p.Gly1953Arg; replaces glycine 1953 with arginine.
Molecular consequence: missense variant.
Genome position (GRCh38, 1-based): chr10:16,937,661, C>G on the plus strand (G>C on the coding strand, the complement: CUBN is on the minus strand). VCF-style: chr10-16937661-C-G. GRCh37 (hg19) VCF-style: chr10-16979660-C-G.
Other names: short protein forms G1953R.
Identifiers: ClinVar variation 698526 (VCV000698526.13), dbSNP rs141489700, ClinGen allele CA5423890.